The following is an entry in ClinVar:

ClinVar aggregate classification (germline): Uncertain significance. Review status: criteria provided, multiple submitters, no conflicts (2 of 4 stars). 4 submissions from 4 submitters: Uncertain significance (4). Last evaluated 2026-01-06.

Submissions (4):

Labcorp Genetics (formerly Invitae), Labcorp
Classification: Uncertain significance. Last evaluated: 2026-01-06. Review status: criteria provided, single submitter. Criteria: Invitae Variant Classification Sherloc (09022015). Collection method: clinical testing. Allele origin: germline.
Comment: This sequence change creates a premature translational stop signal (p.Cys321Phefs*46) in the RECQL gene. It is expected to result in an absent or disrupted protein product. However, the current clinical and genetic evidence is not sufficient to establish whether loss-of-function variants in RECQL cause disease. This variant is present in population databases (rs768075076, gnomAD 0.003%). This premature translational stop signal has been observed in individual(s) with breast cancer and/or head/neck squamous cell carcinoma (PMID: 29625052, 30224651, 36451132). ClinVar contains an entry for this variant (Variation ID: 545884). In summary, the available evidence is currently insufficient to determine the role of this variant in disease. Therefore, it has been classified as a Variant of Uncertain Significance.

GeneDx
Classification: Uncertain significance. Last evaluated: 2024-04-05. Review status: criteria provided, single submitter. Criteria: GeneDx Variant Classification Process June 2021. Collection method: clinical testing. Allele origin: germline. Affected: yes.
Comment: Frameshift variant predicted to result in protein truncation or nonsense mediated decay in a gene or region of a gene for which loss of function is not an established mechanism of disease; Not observed at significant frequency in large population cohorts (gnomAD); Variants in candidate genes are classified as variants of uncertain significance in accordance with ACMG guidelines (PMID: 25741868); This variant is associated with the following publications: (PMID: 29625052, 30224651, 32517021, 36451132)

Ambry Genetics
Classification: Uncertain significance. Last evaluated: 2023-10-16. Review status: criteria provided, single submitter. Criteria: Ambry Variant Classification Scheme 2023. Collection method: clinical testing. Allele origin: germline.
Comment: The c.962_965delGTTT variant, located in coding exon 8 of the RECQL gene, results from a deletion of 4 nucleotides at nucleotide positions 962 to 965, causing a translational frameshift with a predicted alternate stop codon (p.C321Ffs*46). This alteration is expected to result in loss of function by premature protein truncation or nonsense-mediated mRNA decay. The evidence for this gene-disease relationship is limited; therefore, the clinical significance of this alteration is unclear.

Quest Diagnostics Nichols Institute San Juan Capistrano
Classification: Uncertain significance. Last evaluated: 2023-07-12. Review status: criteria provided, single submitter. Criteria: Quest Diagnostics criteria. Collection method: clinical testing. Allele origin: unknown.
Comment: This variant alters the translational reading frame of the RECQL mRNA and is predicted to cause the premature termination of RECQL protein synthesis. However, the gene-disease association for RECQL is limited and loss-of-function is not an established mechanism of disease. In a published case-control study, this variant has been reported in an individual with breast cancer (PMID: 30224651 (2018)). In addition, this variant has been detected in individual(s) with head/neck squamous cell carcinoma (PMIDs: 29625052 (2018) and 36451132 (2022)). The frequency of this variant in the general population, 0.000031 (4/127390 chromosomes (Genome Aggregation Database)), is uninformative in the assessment of its pathogenicity. Based on the available information, we are unable to determine the clinical significance of this variant.

Literature cited by the submitters: PubMed 29625052 (cited by 3 submitters); PubMed 30224651 (cited by Labcorp Genetics (formerly Invitae), Labcorp and Quest Diagnostics Nichols Institute San Juan Capistrano); PubMed 36451132 (cited by Labcorp Genetics (formerly Invitae), Labcorp and Quest Diagnostics Nichols Institute San Juan Capistrano); PubMed 32517021 (cited by Quest Diagnostics Nichols Institute San Juan Capistrano).

NM_002907.4(RECQL):c.962_965del (p.Cys321fs)

Gene: RECQL (RecQ like helicase; minus strand). Cytogenetic location: 12p12.1.
Variant type: Deletion.
Coding change: c.962_965del on transcript NM_002907.4 (MANE Select); coding-DNA positions 962 to 965, 4 bases deleted (GTTT; older notation c.962_965delGTTT).
Protein change: p.Cys321fs; shifts the reading frame from cysteine 321.
Molecular consequence: frameshift variant.
Genome position (GRCh38, 1-based): chr12:21,475,809-21,475,812, AAAC deleted on the plus strand (GTTT on the coding strand, the reverse complement: RECQL is on the minus strand); deleting any 4 consecutive bases within chr12:21,475,809-21,475,814 gives the same sequence; the c. name uses the placement nearest the transcript's 3' end. VCF-style (leftmost placement, unchanged base first): chr12-21475808-AAAAC-A. GRCh37 (hg19) VCF-style: chr12-21628742-AAAAC-A.
Other names: c.962_965del, p.Cys321fs (NM_032941.3); c.962_965delGTTT (NM_002907.3); c.962_965del (NM_002907.3); short protein forms C321fs.
Identifiers: ClinVar variation 545884 (VCV000545884.12), dbSNP rs768075076, ClinGen allele CA501116.